The following is an entry in ClinVar:

NM_001942.4(DSG1):c.1701G>T (p.Leu567Phe)

Genes: DSG1 (desmoglein 1; plus strand), DSG1-AS1 (DSG1 antisense RNA 1; minus strand). Cytogenetic location: 18q12.1.
Variant type: single nucleotide variant.
Coding change: c.1701G>T on transcript NM_001942.4 (MANE Select); coding-DNA position 1701, G replaced by T.
Protein change: p.Leu567Phe; replaces leucine 567 with phenylalanine.
Molecular consequence: missense variant. On other transcripts: non-coding transcript variant (2).
Genome position (GRCh38, 1-based): chr18:31,343,463, G>T. VCF-style: chr18-31343463-G-T. GRCh37 (hg19) VCF-style: chr18-28923426-G-T.
Other names: short protein forms L567F.
Identifiers: ClinVar variation 1474831 (VCV001474831.6), dbSNP rs767252874, ClinGen allele CA8926155.

ClinVar aggregate classification (germline): Uncertain significance (1 of 4 stars; one submission).

Allele frequency attached by ClinVar (database versions not stated): gnomAD exomes below 0.00001; ExAC 0.00001.

Submission:

Labcorp Genetics (formerly Invitae), Labcorp
Classification: Uncertain significance. Last evaluated: 2024-10-24. Review status: criteria provided, single submitter. Criteria: Invitae Variant Classification Sherloc (09022015). Collection method: clinical testing. Allele origin: germline.
Comment: This sequence change replaces leucine, which is neutral and non-polar, with phenylalanine, which is neutral and non-polar, at codon 567 of the DSG1 protein (p.Leu567Phe). This variant is present in population databases (rs767252874, gnomAD no frequency). This variant has not been reported in the literature in individuals affected with DSG1-related conditions. ClinVar contains an entry for this variant (Variation ID: 1474831). Invitae Evidence Modeling of protein sequence and biophysical properties (such as structural, functional, and spatial information, amino acid conservation, physicochemical variation, residue mobility, and thermodynamic stability) indicates that this missense variant is not expected to disrupt DSG1 protein function with a negative predictive value of 80%. Algorithms developed to predict the effect of sequence changes on RNA splicing suggest that this variant may disrupt the consensus splice site. In summary, the available evidence is currently insufficient to determine the role of this variant in disease. Therefore, it has been classified as a Variant of Uncertain Significance.